The following is an entry in ClinVar:

ClinVar aggregate classification (germline): Uncertain significance (1 of 4 stars; one submission).

Conditions:
Familial adenomatous polyposis 1 (FAP1). Also called: FAMILIAL ADENOMATOUS POLYPOSIS 1, ATTENUATED; POLYPOSIS, ADENOMATOUS INTESTINAL. Identifiers: MedGen C2713442, MONDO:0021056, OMIM 175100. Disease mechanism: loss of function.

Submission:

Labcorp Genetics (formerly Invitae), Labcorp
Classification: Uncertain significance for Familial adenomatous polyposis 1. Last evaluated: 2020-05-03. Review status: criteria provided, single submitter. Criteria: Invitae Variant Classification Sherloc (09022015). Collection method: clinical testing. Allele origin: germline.
Comment: In summary, the available evidence is currently insufficient to determine the role of this variant in disease. Therefore, it has been classified as a Variant of Uncertain Significance. Experimental studies and prediction algorithms are not available for this variant, and the functional significance of this non-coding change is currently unknown. This variant has not been reported in the literature in individuals with APC-related conditions. The frequency data for this variant in the population databases is considered unreliable, as metrics indicate insufficient coverage at this position in the ExAC database. This variant occurs in a non-coding region of the APC gene. It does not change the encoded amino acid sequence of the APC protein.

NM_001127511.3(APC):c.-92A>G

Gene: APC (APC regulator of Wnt signaling pathway; plus strand). Cytogenetic location: 5q22.2.
Variant type: single nucleotide variant.
Coding change: c.-92A>G on transcript NM_001127511.3; 92 bases upstream of the start codon, A replaced by G.
Molecular consequence: 5 prime UTR variant. On other transcripts: non-coding transcript variant (2).
Genome position (GRCh38, 1-based): chr5:112,707,626, A>G. VCF-style: chr5-112707626-A-G. GRCh37 (hg19) VCF-style: chr5-112043323-A-G.
Other names: c.-275A>G (NM_001354895.2, NM_001407447.1, NM_001407452.1 and 3 more transcripts); c.-92A>G (NM_001354897.2, NM_001354902.2, NM_001407446.1); c.-42A>G (NM_001407448.1, NM_001407450.1, NM_001407457.1 and 1 more transcripts); c.-66A>G (NM_001407453.1); c.-1310A>G (NM_001407470.1, NM_001407472.1).
Identifiers: ClinVar variation 999837 (VCV000999837.9), dbSNP rs1750589682, ClinGen allele CA1573442555.